The following is an entry in ClinVar:

NM_000222.3(KIT):c.2113A>C (p.Asn705His)

Gene: KIT (KIT proto-oncogene, receptor tyrosine kinase; plus strand). Cytogenetic location: 4q12.
Variant type: single nucleotide variant.
Coding change: c.2113A>C on transcript NM_000222.3 (MANE Select); coding-DNA position 2113, A replaced by C.
Protein change: p.Asn705His; replaces asparagine 705 with histidine.
Molecular consequence: missense variant.
Genome position (GRCh38, 1-based): chr4:54,729,457, A>C. VCF-style: chr4-54729457-A-C. GRCh37 (hg19) VCF-style: chr4-55595623-A-C.
Other names: c.2101A>C, p.Asn701His (NM_001093772.2, NM_001385286.1); c.2116A>C, p.Asn706His (NM_001385284.1, NM_001385290.1); c.2113A>C, p.Asn705His (NM_001385285.1); c.2104A>C, p.Asn702His (NM_001385288.1, NM_001385292.1); short protein forms N701H, N702H, N705H, N706H.
Identifiers: ClinVar variation 1043896 (VCV001043896.9), dbSNP rs1722448939, ClinGen allele CA356909800.

ClinVar aggregate classification (germline): Uncertain significance (1 of 4 stars; one submission).

Conditions:
Gastrointestinal stromal tumor. Also called: Gastrointestinal stromal tumor, somatic; Gastrointestinal stroma tumor. Identifiers: Orphanet 44890, MedGen C0238198, MeSH D046152, MONDO:0011719, OMIM 606764, HP:0100723.

Allele frequency attached by ClinVar (database versions not stated): gnomAD exomes below 0.00001.
gnomAD v4.1: 1 of 1,613,580 alleles (0.000062%); highest among the groups gnomAD compares: Non-Finnish European, 0.000085%; no homozygotes.

Submission:

Labcorp Genetics (formerly Invitae), Labcorp
Classification: Uncertain significance for Gastrointestinal stromal tumor. Last evaluated: 2025-03-26. Review status: criteria provided, single submitter. Criteria: Invitae Variant Classification Sherloc (09022015). Collection method: clinical testing. Allele origin: germline.
Comment: This sequence change replaces asparagine, which is neutral and polar, with histidine, which is basic and polar, at codon 705 of the KIT protein (p.Asn705His). This variant is not present in population databases (gnomAD no frequency). This variant has not been reported in the literature in individuals affected with KIT-related conditions. ClinVar contains an entry for this variant (Variation ID: 1043896). An algorithm developed to predict the effect of missense changes on protein structure and function (PolyPhen-2) suggests that this variant is likely to be disruptive. In summary, the available evidence is currently insufficient to determine the role of this variant in disease. Therefore, it has been classified as a Variant of Uncertain Significance.